The following is an entry in ClinVar:

ClinVar aggregate classification (germline): Uncertain significance (1 of 4 stars; one submission).

Conditions:
Duchenne muscular dystrophy (DMD). Also called: MUSCULAR DYSTROPHY, PSEUDOHYPERTROPHIC PROGRESSIVE, DUCHENNE TYPE; Duchenne Muscular Dystrophy (DMD). Identifiers: Orphanet 98896, MedGen C0013264, MONDO:0010679, OMIM 310200.

Allele frequency attached by ClinVar (database versions not stated): gnomAD 0.00002.
gnomAD v4.1: 2 of 1,207,082 alleles (0.00017%); highest among the groups gnomAD compares: Middle Eastern, 0.046%; no homozygotes.

Submission:

Labcorp Genetics (formerly Invitae), Labcorp
Classification: Uncertain significance for Duchenne muscular dystrophy. Last evaluated: 2024-01-15. Review status: criteria provided, single submitter. Criteria: Invitae Variant Classification Sherloc (09022015). Collection method: clinical testing. Allele origin: germline.
Comment: This sequence change replaces phenylalanine, which is neutral and non-polar, with valine, which is neutral and non-polar, at codon 2099 of the DMD protein (p.Phe2099Val). This variant is not present in population databases (gnomAD no frequency). This variant has not been reported in the literature in individuals affected with DMD-related conditions. ClinVar contains an entry for this variant (Variation ID: 1986770). Advanced modeling of protein sequence and biophysical properties (such as structural, functional, and spatial information, amino acid conservation, physicochemical variation, residue mobility, and thermodynamic stability) performed at Invitae indicates that this missense variant is not expected to disrupt DMD protein function with a negative predictive value of 95%. In summary, the available evidence is currently insufficient to determine the role of this variant in disease. Therefore, it has been classified as a Variant of Uncertain Significance.

NM_004006.3(DMD):c.6295T>G (p.Phe2099Val)

Gene: DMD (dystrophin; minus strand). Cytogenetic location: Xp21.1.
Variant type: single nucleotide variant.
Coding change: c.6295T>G on transcript NM_004006.3 (MANE Select); coding-DNA position 6295, T replaced by G.
Protein change: p.Phe2099Val; replaces phenylalanine 2099 with valine.
Molecular consequence: missense variant.
Genome position (GRCh38, 1-based): chrX:32,217,059, A>C on the plus strand (T>G on the coding strand, the complement: DMD is on the minus strand). VCF-style: chrX-32217059-A-C. GRCh37 (hg19) VCF-style: chrX-32235176-A-C.
Other names: c.6271T>G, p.Phe2091Val (NM_000109.4); c.6283T>G, p.Phe2095Val (NM_004009.3); c.5926T>G, p.Phe1976Val (NM_004010.3); c.2272T>G, p.Phe758Val (NM_004011.4); c.2263T>G, p.Phe755Val (NM_004012.4); short protein forms F2095V, F755V, F758V, F1976V, F2091V, F2099V.
Identifiers: ClinVar variation 1986770 (VCV001986770.3), dbSNP rs1405580642, ClinGen allele CA412660797.